The following is an entry in ClinVar:

ClinVar aggregate classification (germline): Uncertain significance. Review status: criteria provided, multiple submitters, no conflicts (2 of 4 stars). 2 submissions from 2 submitters: Uncertain significance (2). Last evaluated 2024-10-15.

Allele frequency attached by ClinVar (database versions not stated): gnomAD exomes below 0.00001.
gnomAD v4.1: 3 of 1,613,508 alleles (0.00019%); highest among the groups gnomAD compares: Non-Finnish European, 0.00025%; no homozygotes.

Submissions (2):

Labcorp Genetics (formerly Invitae), Labcorp
Classification: Uncertain significance. Last evaluated: 2024-10-15. Review status: criteria provided, single submitter. Criteria: Invitae Variant Classification Sherloc (09022015). Collection method: clinical testing. Allele origin: germline.
Comment: This sequence change replaces valine, which is neutral and non-polar, with methionine, which is neutral and non-polar, at codon 1121 of the LAMC3 protein (p.Val1121Met). This variant is not present in population databases (gnomAD no frequency). This variant has not been reported in the literature in individuals affected with LAMC3-related conditions. ClinVar contains an entry for this variant (Variation ID: 2088726). An algorithm developed to predict the effect of missense changes on protein structure and function (PolyPhen-2) suggests that this variant¬†is likely to be tolerated. In summary, the available evidence is currently insufficient to determine the role of this variant in disease. Therefore, it has been classified as a Variant of Uncertain Significance.

GeneDx
Classification: Uncertain significance. Last evaluated: 2022-10-20. Review status: criteria provided, single submitter. Criteria: GeneDx Variant Classification Process June 2021. Collection method: clinical testing. Allele origin: germline. Affected: yes.
Comment: Not observed at significant frequency in large population cohorts (gnomAD); In silico analysis supports that this missense variant does not alter protein structure/function; Has not been previously published as pathogenic or benign to our knowledge

NM_006059.4(LAMC3):c.3361G>A (p.Val1121Met)

Gene: LAMC3 (laminin subunit gamma 3; plus strand). Cytogenetic location: 9q34.12.
Variant type: single nucleotide variant.
Coding change: c.3361G>A on transcript NM_006059.4 (MANE Select); coding-DNA position 3361, G replaced by A.
Protein change: p.Val1121Met; replaces valine 1121 with methionine.
Molecular consequence: missense variant.
Genome position (GRCh38, 1-based): chr9:131,072,779, G>A. VCF-style: chr9-131072779-G-A. GRCh37 (hg19) VCF-style: chr9-133948166-G-A.
Other names: c.3361G>A (NM_006059.3); short protein forms V1121M.
Identifiers: ClinVar variation 2088726 (VCV002088726.3), dbSNP rs2538308917, ClinGen allele CA375259243.